The following is an entry in ClinVar:

NM_015910.7(WDPCP):c.1942G>T (p.Asp648Tyr)

Gene: WDPCP (WD repeat containing planar cell polarity effector; minus strand). Cytogenetic location: 2p15.
Variant type: single nucleotide variant.
Coding change: c.1942G>T on transcript NM_015910.7 (MANE Select); coding-DNA position 1942, G replaced by T.
Protein change: p.Asp648Tyr; replaces aspartic acid 648 with tyrosine.
Molecular consequence: missense variant. On other transcripts: non-coding transcript variant (3).
Genome position (GRCh38, 1-based): chr2:63,174,806, C>A on the plus strand (G>T on the coding strand, the complement: WDPCP is on the minus strand). VCF-style: chr2-63174806-C-A. GRCh37 (hg19) VCF-style: chr2-63401941-C-A.
Other names: c.1465G>T, p.Asp489Tyr (NM_001042692.3); c.1870G>T, p.Asp624Tyr (NM_001354044.2); short protein forms D489Y, D648Y, D624Y.
Identifiers: ClinVar variation 2109827 (VCV002109827.5), dbSNP rs1324158673, ClinGen allele CA347056804.

ClinVar aggregate classification (germline): Uncertain significance. Review status: criteria provided, multiple submitters, no conflicts (2 of 4 stars). 2 submissions from 2 submitters: Uncertain significance (2). Last evaluated 2025-10-02.

Conditions:
Bardet-Biedl syndrome (BBS). Identifiers: Orphanet 110, MedGen C0752166, MONDO:0015229.

Submissions (2):

Labcorp Genetics (formerly Invitae), Labcorp
Classification: Uncertain significance for Bardet-Biedl syndrome. Last evaluated: 2025-10-02. Review status: criteria provided, single submitter. Criteria: Invitae Variant Classification Sherloc (09022015). Collection method: clinical testing. Allele origin: germline.
Comment: This sequence change replaces aspartic acid, which is acidic and polar, with tyrosine, which is neutral and polar, at codon 648 of the WDPCP protein (p.Asp648Tyr). This variant is present in population databases (no rsID available, gnomAD 0.0009%). This variant has not been reported in the literature in individuals affected with WDPCP-related conditions. ClinVar contains an entry for this variant (Variation ID: 2109827). Invitae Evidence Modeling of protein sequence and biophysical properties (such as structural, functional, and spatial information, amino acid conservation, physicochemical variation, residue mobility, and thermodynamic stability) indicates that this missense variant is not expected to disrupt WDPCP protein function with a negative predictive value of 80%. In summary, the available evidence is currently insufficient to determine the role of this variant in disease. Therefore, it has been classified as a Variant of Uncertain Significance.

Blueprint Genetics
Classification: Uncertain significance. Last evaluated: 2020-05-20. Review status: criteria provided, single submitter. Criteria: ACMG Guidelines, 2015. Collection method: clinical testing. Allele origin: germline.